The following is an entry in ClinVar:

ClinVar aggregate classification (germline): Benign/Likely benign. Review status: criteria provided, multiple submitters, no conflicts (2 of 4 stars). 2 submissions from 2 submitters: Benign (1); Likely benign (1). Last evaluated 2025-08-22.

Conditions:
Lynch syndrome 4 (LYNCH4). Also called: Colorectal cancer, hereditary nonpolyposis, type 4; Hereditary non-polyposis colorectal cancer, type 4. Identifiers: Orphanet 144, MedGen C1838333, MONDO:0013699, OMIM 614337. Disease mechanism: loss of function.
Hereditary cancer-predisposing syndrome. Also called: Hereditary Cancer Syndrome; Hereditary neoplastic syndrome; Neoplastic Syndromes, Hereditary; Tumor predisposition. Identifiers: Orphanet 140162, MedGen C0027672, MeSH D009386, MONDO:0015356.

Submissions (2):

Color Diagnostics, LLC DBA Color Health
Classification: Likely benign for Hereditary cancer-predisposing syndrome. Last evaluated: 2025-08-22. Review status: criteria provided, single submitter. Criteria: ACMG Guidelines, 2015. Collection method: clinical testing. Allele origin: germline.

Myriad Genetics, Inc.
Classification: Benign for Lynch syndrome 4. Last evaluated: 2025-01-27. Review status: criteria provided, single submitter. Criteria: Myriad Autosomal Dominant, Autosomal Recessive and X-Linked Classification Criteria (2023). Collection method: clinical testing. Allele origin: unknown.
Comment: This variant is considered benign. This variant is a silent/synonymous amino acid change and it is not expected to impact splicing.

NM_000535.7(PMS2):c.450C>G (p.Pro150=)

Gene: PMS2 (PMS1 homolog 2, mismatch repair system component; minus strand). Cytogenetic location: 7p22.1.
Variant type: single nucleotide variant.
Coding change: c.450C>G on transcript NM_000535.7 (MANE Select); coding-DNA position 450, C replaced by G.
Protein change: p.Pro150=; no amino-acid change (proline 150 retained).
Molecular consequence: synonymous variant. On other transcripts: 5 prime UTR variant (2), non-coding transcript variant (1), intron variant (1).
Genome position (GRCh38, 1-based): chr7:6,002,540, G>C on the plus strand (C>G on the coding strand, the complement: PMS2 is on the minus strand). VCF-style: chr7-6002540-G-C. GRCh37 (hg19) VCF-style: chr7-6042171-G-C.
Other names: c.45C>G, p.Pro15= (NM_001322005.2, NM_001322009.2, NM_001322010.2 and 24 more transcripts); c.450C>G, p.Pro150= (NM_001322006.2, NM_001322014.2, NM_001406869.1 and 8 more transcripts); c.132C>G, p.Pro44= (NM_001322007.2, NM_001322008.2, NM_001406876.1 and 4 more transcripts); c.-435C>G (NM_001322011.2, NM_001322012.2); c.141C>G, p.Pro47= (NM_001322015.2, NM_001406875.1, NM_001406877.1 and 6 more transcripts); c.636C>G, p.Pro212= (NM_001406866.1); c.474C>G, p.Pro158= (NM_001406868.1); c.250+1432C>G (NM_001406885.1).
Identifiers: ClinVar variation 3904316 (VCV003904316.2).